The following is an entry in ClinVar:

ClinVar aggregate classification (germline): Uncertain significance. Review status: criteria provided, multiple submitters, no conflicts (2 of 4 stars). 2 submissions from 2 submitters: Uncertain significance (2). Last evaluated 2025-09-16.

Conditions:
Inborn genetic diseases. Identifiers: MedGen C0950123, MeSH D030342.

gnomAD v4.1: 45 of 1,614,224 alleles (0.0028%); highest among the groups gnomAD compares: Non-Finnish European, 0.0036%; no homozygotes.

Submissions (2):

Labcorp Genetics (formerly Invitae), Labcorp
Classification: Uncertain significance. Last evaluated: 2025-09-16. Review status: criteria provided, single submitter. Criteria: Invitae Variant Classification Sherloc (09022015). Collection method: clinical testing. Allele origin: germline.
Comment: This sequence change replaces leucine, which is neutral and non-polar, with valine, which is neutral and non-polar, at codon 379 of the LEMD3 protein (p.Leu379Val). This variant is not present in population databases (gnomAD no frequency). This variant has not been reported in the literature in individuals affected with LEMD3-related conditions. ClinVar contains an entry for this variant (Variation ID: 2898588). Invitae Evidence Modeling of protein sequence and biophysical properties (such as structural, functional, and spatial information, amino acid conservation, physicochemical variation, residue mobility, and thermodynamic stability) indicates that this missense variant is not expected to disrupt LEMD3 protein function with a negative predictive value of 80%. In summary, the available evidence is currently insufficient to determine the role of this variant in disease. Therefore, it has been classified as a Variant of Uncertain Significance.

Ambry Genetics
Classification: Uncertain significance for Inborn genetic diseases. Last evaluated: 2024-04-24. Review status: criteria provided, single submitter. Criteria: Ambry Variant Classification Scheme 2023. Collection method: clinical testing. Allele origin: germline.

NM_014319.5(LEMD3):c.1135T>G (p.Leu379Val)

Genes: LEMD3 (LEM domain containing 3; plus strand), LOC130008225 (ATAC-STARR-seq lymphoblastoid active region 6608; plus strand). Cytogenetic location: 12q14.3.
Variant type: single nucleotide variant.
Coding change: c.1135T>G on transcript NM_014319.5 (MANE Select); coding-DNA position 1135, T replaced by G.
Protein change: p.Leu379Val; replaces leucine 379 with valine.
Molecular consequence: missense variant.
Genome position (GRCh38, 1-based): chr12:65,170,731, T>G. VCF-style: chr12-65170731-T-G. GRCh37 (hg19) VCF-style: chr12-65564511-T-G.
Other names: c.1135T>G (NM_014319.4); c.1135T>G, p.Leu379Val (NM_001167614.2); short protein forms L379V.
Identifiers: ClinVar variation 2898588 (VCV002898588.4), dbSNP rs368502571, ClinGen allele CA385675103.
Genomic context (GRCh38, chr12:65,170,731, plus strand): 5'-GTTAACGCTAAGAAACTGACCCCTCTCCTGCCCCCGCCACTTACTGACATGGACTCAACC[T>G]TGGATTCGTCAACAGGCTCCCTTCTGAAAACCAATAATCATATTGGCGGTGGGGCCTTCA-3'
Protein context (NP_055134.2, residues 369-389): PPPLTDMDST[Leu379Val]DSSTGSLLKT